The following is an entry in ClinVar:

ClinVar aggregate classification (germline): Conflicting classifications of pathogenicity. Review status: criteria provided, conflicting classifications (1 of 4 stars). 3 submissions from 3 submitters: Uncertain significance (2); Likely benign (1). Last evaluated 2026-05-06.

Conditions:
Aicardi-Goutieres syndrome 7 (AGS7). Identifiers: Orphanet 51, MedGen C3888244, MONDO:0014367, OMIM 615846.
Singleton-Merten syndrome 1 (SGMRT1). Also called: Widened medullary cavities of bone, aortic calcification, abnormal dentition, and muscular weakness; Syndrome of widened medullary cavities of the metacarpals and phalanges, aortic calcification and abnormal dentition. Identifiers: Orphanet 85191, MedGen C4225427, MONDO:0024535, OMIM 182250.

Allele frequency attached by ClinVar (database versions not stated): TOPMed below 0.00001.

Submissions (3):

Women's Health and Genetics/Laboratory Corporation of America, LabCorp
Classification: Uncertain significance. Last evaluated: 2026-05-06. Review status: criteria provided, single submitter. Criteria: LabCorp Variant Classification Summary - May 2015. Collection method: clinical testing. Allele origin: germline.
Comment: Variant summary: IFIH1 c.2454+4C>T alters a conserved nucleotide located close to a canonical splice site and therefore could affect mRNA splicing, leading to a significantly altered protein sequence. Consensus agreement among computation tools predict no significant impact on normal splicing. However, these predictions have yet to be confirmed by functional studies. The variant was absent in 202032 control chromosomes. The available data on variant occurrences in the general population are insufficient to allow any conclusion about variant significance. To our knowledge, no occurrence of c.2454+4C>T in individuals affected with IFIH1-related conditions and no experimental evidence demonstrating its impact on protein function have been reported. ClinVar contains an entry for this variant (Variation ID: 261564). Based on the evidence outlined above, the variant was classified as uncertain significance.

Labcorp Genetics (formerly Invitae), Labcorp
Classification: Uncertain significance for Aicardi-Goutieres syndrome 7; Singleton-Merten syndrome 1. Last evaluated: 2024-12-07. Review status: criteria provided, single submitter. Criteria: Invitae Variant Classification Sherloc (09022015). Collection method: clinical testing. Allele origin: germline.
Comment: This sequence change falls in intron 12 of the IFIH1 gene. It does not directly change the encoded amino acid sequence of the IFIH1 protein. It affects a nucleotide within the consensus splice site. This variant is not present in population databases (gnomAD no frequency). This variant has not been reported in the literature in individuals affected with IFIH1-related conditions. ClinVar contains an entry for this variant (Variation ID: 261564). Variants that disrupt the consensus splice site are a relatively common cause of aberrant splicing (PMID: 17576681, 9536098). Algorithms developed to predict the effect of sequence changes on RNA splicing suggest that this variant is not likely to affect RNA splicing. In summary, the available evidence is currently insufficient to determine the role of this variant in disease. Therefore, it has been classified as a Variant of Uncertain Significance.

PreventionGenetics, part of Exact Sciences
Classification: Likely benign. Review status: criteria provided, single submitter. Criteria: ACMG Guidelines, 2015. Collection method: clinical testing. Allele origin: germline.

Literature cited by the submitters: PubMed 17576681 (cited by Labcorp Genetics (formerly Invitae), Labcorp); PubMed 9536098 (cited by Labcorp Genetics (formerly Invitae), Labcorp).

NM_022168.4(IFIH1):c.2454+4C>T

Gene: IFIH1 (interferon induced with helicase C domain 1; minus strand). Cytogenetic location: 2q24.2.
Variant type: single nucleotide variant.
Coding change: c.2454+4C>T on transcript NM_022168.4 (MANE Select); 4 bases into the intron after coding-DNA position 2454, C replaced by T.
Molecular consequence: intron variant.
Genome position (GRCh38, 1-based): chr2:162,273,791, G>A on the plus strand (C>T on the coding strand, the complement: IFIH1 is on the minus strand). VCF-style: chr2-162273791-G-A. GRCh37 (hg19) VCF-style: chr2-163130301-G-A.
Other names: c.2454+4C>T (LRG_1235t1).
Identifiers: ClinVar variation 261564 (VCV000261564.5), dbSNP rs886038669, ClinGen allele CA10586787.